The following is an entry in ClinVar:

ClinVar aggregate classification (germline): Likely benign (1 of 4 stars; one submission).

gnomAD v4.1: 3 of 1,613,940 alleles (0.00019%); highest among the groups gnomAD compares: East Asian, 0.0045%; no homozygotes.

Submission:

CeGaT Center for Human Genetics Tuebingen
Classification: Likely benign. Last evaluated: 2024-10-01. Review status: criteria provided, single submitter. Criteria: CeGaT Center For Human Genetics Tuebingen Variant Classification Criteria Version 2. Collection method: clinical testing. Allele origin: germline. Affected: yes. Observed: 1 variant allele.
Comment: DNMT3A: BP4, BP7

NM_022552.5(DNMT3A):c.1488C>T (p.Ser496=)

Gene: DNMT3A (DNA methyltransferase 3 alpha; minus strand). Cytogenetic location: 2p23.3.
Variant type: single nucleotide variant.
Coding change: c.1488C>T on transcript NM_022552.5 (MANE Select); coding-DNA position 1488, C replaced by T.
Protein change: p.Ser496=; no amino-acid change (serine 496 retained).
Molecular consequence: synonymous variant. On other transcripts: non-coding transcript variant (1).
Genome position (GRCh38, 1-based): chr2:25,245,319, G>A on the plus strand (C>T on the coding strand, the complement: DNMT3A is on the minus strand). VCF-style: chr2-25245319-G-A. GRCh37 (hg19) VCF-style: chr2-25468188-G-A.
Other names: c.921C>T, p.Ser307= (NM_153759.3); c.1488C>T, p.Ser496= (NM_175629.2); c.1032C>T, p.Ser344= (NM_001320893.1); c.819C>T, p.Ser273= (NM_001375819.1).
Identifiers: ClinVar variation 3388571 (VCV003388571.14).
Genomic context (GRCh38, chr2:25,245,319, plus strand): 5'-GTTTTGGCACATTCCTCCAACGAAGAGGGGGTGTTCCAGGGTAACATTGAGGCTCCCACA[G>A]GAGATGCAGATGTCTGGAAAGCAGAGGGAGGGGATGGGGTGAGTACCACCGAAGGGCCTC-3'
Protein context (NP_072046.2, residues 486-506): KCRNIEDICI[Ser496=]CGSLNVTLEH